The following is an entry in ClinVar:

NM_006372.5(SYNCRIP):c.817_828del (p.Val273_Tyr276del)

Gene: SYNCRIP (synaptotagmin binding cytoplasmic RNA interacting protein; minus strand). Cytogenetic location: 6q14.3.
Variant type: Deletion.
Coding change: c.817_828del on transcript NM_006372.5 (MANE Select); coding-DNA positions 817 to 828, 12 bases deleted (GTCATTTTATAC).
Protein change: p.Val273_Tyr276del.
Molecular consequence: inframe deletion. On other transcripts: inframe indel (2).
Genome position (GRCh38, 1-based): chr6:85,622,662-85,622,673, GTATAAAATGAC deleted on the plus strand (GTCATTTTATAC on the coding strand, the reverse complement: SYNCRIP is on the minus strand); deleting any 12 consecutive bases within chr6:85,622,662-85,622,675 gives the same sequence; the c. name uses the placement nearest the transcript's 3' end. VCF-style (leftmost placement, unchanged base first): chr6-85622661-GGTATAAAATGAC-G. GRCh37 (hg19) VCF-style: chr6-86332379-GGTATAAAATGAC-G.
Other names: c.523_534del, p.Val175_Tyr178del (NM_001159673.2, NM_001410938.1); c.817_828del, p.Val273_Tyr276del (NM_001159674.2, NM_001159677.2); c.815_826delACGTCATTTTAT, p.Val273_Tyr276del (NM_001159675.2, NM_001159676.2); c.361_372del, p.Val121_Tyr124del (NM_001253771.2).
Identifiers: ClinVar variation 3323894 (VCV003323894.1).

ClinVar aggregate classification (germline): Uncertain significance (1 of 4 stars; one submission).

Conditions:
Inborn genetic diseases. Identifiers: MedGen C0950123, MeSH D030342.

Submission:

Ambry Genetics
Classification: Uncertain significance for Inborn genetic diseases. Last evaluated: 2024-04-11. Review status: criteria provided, single submitter. Criteria: Ambry Variant Classification Scheme 2023. Collection method: clinical testing. Allele origin: germline.
Comment: The c.817_828del12 (p.V273_Y276del) alteration, located in coding exon 7 of the SYNCRIP gene, results from an in-frame deletion of 12 nucleotides at positions c.817 to c.828. This results in the deletion of 4 amino acids between codons 273 and 276. This variant was not reported in population-based cohorts in the Genome Aggregation Database (gnomAD). This amino acid position is highly conserved in available vertebrate species. This alteration is predicted to be deleterious by in silico analysis (Choi, 2012). Based on insufficient or conflicting evidence, the clinical significance of this alteration remains unclear.